The following is an entry in ClinVar:

NM_001363711.2(DUOX2):c.943G>T (p.Gly315Ter)

Gene: DUOX2 (dual oxidase 2; minus strand). Cytogenetic location: 15q21.1.
Variant type: single nucleotide variant.
Coding change: c.943G>T on transcript NM_001363711.2 (MANE Select); coding-DNA position 943, G replaced by T.
Protein change: p.Gly315Ter; replaces glycine 315 with a stop codon.
Molecular consequence: nonsense.
Genome position (GRCh38, 1-based): chr15:45,110,650, C>A on the plus strand (G>T on the coding strand, the complement: DUOX2 is on the minus strand). VCF-style: chr15-45110650-C-A. GRCh37 (hg19) VCF-style: chr15-45402848-C-A.
Other names: c.943G>T, p.Gly315Ter (NM_014080.5); c.943G>T (NM_014080.4); short protein forms G315*.
Identifiers: ClinVar variation 2915491 (VCV002915491.6), dbSNP rs1466329686, ClinGen allele CA392278206.

ClinVar aggregate classification (germline): Pathogenic. Review status: criteria provided, multiple submitters, no conflicts (2 of 4 stars). 3 submissions from 3 submitters: Pathogenic (3). Last evaluated 2024-09-20.

Conditions:
Thyroid dyshormonogenesis 6 (TDH6). Also called: HYPOTHYROIDISM, CONGENITAL, DUE TO DYSHORMONOGENESIS, 6; THYROID HORMONOGENESIS, GENETIC DEFECT IN, 6; Genetic transient congenital hypothyroidism. Identifiers: Orphanet 226316, Orphanet 95716, MedGen C1846632, MONDO:0011792, OMIM 607200.
DUOX2-related disorders.

Allele frequency attached by ClinVar (database versions not stated): TOPMed below 0.00001; gnomAD 0.00001.
gnomAD v4.1: 2 of 1,613,014 alleles (0.00012%); highest among the groups gnomAD compares: East Asian, 0.0045%; no homozygotes.

Submissions (3):

Blueprint Genetics
Classification: Pathogenic for DUOX2-related disorders. Last evaluated: 2024-09-20. Review status: criteria provided, single submitter. Criteria: ACMG Guidelines, 2015. Collection method: clinical testing. Allele origin: germline. Affected: yes. Observed: 3 variant alleles.

Fulgent Genetics
Classification: Pathogenic for Thyroid dyshormonogenesis 6. Last evaluated: 2024-05-22. Review status: criteria provided, single submitter. Criteria: ACMG Guidelines, 2015. Collection method: clinical testing. Allele origin: germline.

Labcorp Genetics (formerly Invitae), Labcorp
Classification: Pathogenic. Last evaluated: 2023-04-11. Review status: criteria provided, single submitter. Criteria: Invitae Variant Classification Sherloc (09022015). Collection method: clinical testing. Allele origin: germline.
Comment: This sequence change creates a premature translational stop signal (p.Gly315*) in the DUOX2 gene. It is expected to result in an absent or disrupted protein product. Loss-of-function variants in DUOX2 are known to be pathogenic (PMID: 12110737, 18765513, 21565790, 24423310, 24735383). This variant is present in population databases (no rsID available, gnomAD 0.06%). This premature translational stop signal has been observed in individual(s) with congenital hypothyroidism (PMID: 30512158). Algorithms developed to predict the effect of sequence changes on RNA splicing suggest that this variant may disrupt the consensus splice site. For these reasons, this variant has been classified as Pathogenic.

Literature cited by the submitters: PubMed 12110737 (cited by Labcorp Genetics (formerly Invitae), Labcorp); PubMed 18765513 (cited by Labcorp Genetics (formerly Invitae), Labcorp); PubMed 21565790 (cited by Labcorp Genetics (formerly Invitae), Labcorp); PubMed 24423310 (cited by Labcorp Genetics (formerly Invitae), Labcorp); PubMed 24735383 (cited by Labcorp Genetics (formerly Invitae), Labcorp); PubMed 30512158 (cited by Labcorp Genetics (formerly Invitae), Labcorp).